The following is an entry in ClinVar:

ClinVar aggregate classification (germline): Uncertain significance (1 of 4 stars; one submission).

Submission:

Labcorp Genetics (formerly Invitae), Labcorp
Classification: Uncertain significance. Last evaluated: 2025-11-08. Review status: criteria provided, single submitter. Criteria: Invitae Variant Classification Sherloc (09022015). Collection method: clinical testing. Allele origin: germline.
Comment: This sequence change replaces threonine, which is neutral and polar, with serine, which is neutral and polar, at codon 173 of the CCT2 protein (p.Thr173Ser). This variant is not present in population databases (gnomAD no frequency). This variant has not been reported in the literature in individuals affected with CCT2-related conditions. An algorithm developed to predict the effect of missense changes on protein structure and function (PolyPhen-2) suggests that this variant is likely to be tolerated. In summary, the available evidence is currently insufficient to determine the role of this variant in disease. Therefore, it has been classified as a Variant of Uncertain Significance.

NM_006431.3(CCT2):c.518C>G (p.Thr173Ser)

Gene: CCT2 (chaperonin containing TCP1 subunit 2; plus strand). Cytogenetic location: 12q15.
Variant type: single nucleotide variant.
Coding change: c.518C>G on transcript NM_006431.3 (MANE Select); coding-DNA position 518, C replaced by G.
Protein change: p.Thr173Ser; replaces threonine 173 with serine.
Molecular consequence: missense variant.
Genome position (GRCh38, 1-based): chr12:69,589,556, C>G. VCF-style: chr12-69589556-C-G. GRCh37 (hg19) VCF-style: chr12-69983336-C-G.
Other names: c.377C>G, p.Thr126Ser (NM_001198842.2); short protein forms T173S, T126S.
Identifiers: ClinVar variation 4701270 (VCV004701270.1).
Genomic context (GRCh38, chr12:69,589,556, plus strand): 5'-TTAAATTCCGTCAAGATTTAATGAATATTGCGGGCACAACATTATCCTCAAAACTTCTTA[C>G]TCATCACAAAGACCACTTTACAAAGTTAGCTGTAGAAGCAGTTCTCAGACTGAAAGGCTC-3'
Protein context (NP_006422.1, residues 163-183): AGTTLSSKLL[Thr173Ser]HHKDHFTKLA